The following is an entry in ClinVar:

ClinVar aggregate classification (germline): Uncertain significance (1 of 4 stars; one submission).

Conditions:
Hereditary cancer-predisposing syndrome. Also called: Neoplastic Syndromes, Hereditary; Hereditary Cancer Syndrome; Tumor predisposition; Hereditary neoplastic syndrome. Identifiers: Orphanet 140162, MedGen C0027672, MeSH D009386, MONDO:0015356.

Submission:

Ambry Genetics
Classification: Uncertain significance for Hereditary cancer-predisposing syndrome. Last evaluated: 2024-12-15. Review status: criteria provided, single submitter. Criteria: Ambry Variant Classification Scheme 2023. Collection method: clinical testing. Allele origin: germline.
Comment: The p.V949L variant (also known as c.2845G>C), located in coding exon 17 of the PTCH1 gene, results from a G to C substitution at nucleotide position 2845. The valine at codon 949 is replaced by leucine, an amino acid with highly similar properties. This amino acid position is conserved. In addition, this alteration is predicted to be tolerated by in silico analysis. Based on the available evidence, the clinical significance of this variant remains unclear.

NM_000264.5(PTCH1):c.2845G>C (p.Val949Leu)

Gene: PTCH1 (patched 1; minus strand). Cytogenetic location: 9q22.32.
Variant type: single nucleotide variant.
Coding change: c.2845G>C on transcript NM_000264.5 (MANE Select); coding-DNA position 2845, G replaced by C.
Protein change: p.Val949Leu; replaces valine 949 with leucine.
Molecular consequence: missense variant. On other transcripts: non-coding transcript variant (1).
Genome position (GRCh38, 1-based): chr9:95,459,642, C>G on the plus strand (G>C on the coding strand, the complement: PTCH1 is on the minus strand). VCF-style: chr9-95459642-C-G. GRCh37 (hg19) VCF-style: chr9-98221924-C-G.
Other names: c.2647G>C, p.Val883Leu (NM_001083602.3); c.2842G>C, p.Val948Leu (NM_001083603.3); c.2392G>C, p.Val798Leu (NM_001083604.3, NM_001083605.3, NM_001083606.3 and 1 more transcripts); c.2689G>C, p.Val897Leu (NM_001354918.2); short protein forms V948L, V798L, V897L, V883L, V949L.
Identifiers: ClinVar variation 3784607 (VCV003784607.1).